The following is an entry in ClinVar:

NM_000182.5(HADHA):c.1497C>G (p.Tyr499Ter)

Genes: GAREM2 (GRB2 associated regulator of MAPK1 subtype 2; plus strand), HADHA (hydroxyacyl-CoA dehydrogenase trifunctional multienzyme complex subunit alpha; minus strand). Cytogenetic location: 2p23.3.
Variant type: single nucleotide variant.
Coding change: c.1497C>G on transcript NM_000182.5 (MANE Select); coding-DNA position 1497, C replaced by G.
Protein change: p.Tyr499Ter; replaces tyrosine 499 with a stop codon.
Molecular consequence: nonsense.
Genome position (GRCh38, 1-based): chr2:26,195,215, G>C on the plus strand (C>G on the coding strand, the complement: HADHA is on the minus strand). VCF-style: chr2-26195215-G-C. GRCh37 (hg19) VCF-style: chr2-26418084-G-C.
Other names: short protein forms Y499*.
Identifiers: ClinVar variation 5013803 (VCV005013803.1).

ClinVar aggregate classification (germline): Pathogenic (1 of 4 stars; one submission).

Conditions:
Long chain 3-hydroxyacyl-CoA dehydrogenase deficiency. Also called: Deficiency of long-chain 3-hydroxyacyl-coenzyme A dehydrogenase; LCHAD Deficiency. Identifiers: Orphanet 5, MedGen C3711645, MONDO:0012173, OMIM 609016.

Submission:

Myriad Genetics, Inc.
Classification: Pathogenic for Long chain 3-hydroxyacyl-CoA dehydrogenase deficiency. Last evaluated: 2024-11-24. Review status: criteria provided, single submitter. Criteria: Myriad Autosomal Dominant, Autosomal Recessive and X-Linked Classification Criteria (2023). Collection method: clinical testing. Allele origin: unknown.
Comment: NM_000182.4(HADHA):c.1497C>G(Y499*) is expected to be pathogenic in the context of HADHA-related disorders. This variant is predicted to lead to an abnormal or absent protein product due to the creation of a premature termination codon in HADHA, a gene where loss-of-function variants are known to be pathogenic. Please note: this variant was assessed in the context of healthy population screening.